The following is an entry in ClinVar:

ClinVar aggregate classification (germline): Uncertain significance (1 of 4 stars; one submission).

Allele frequency attached by ClinVar (database versions not stated): gnomAD exomes 0.00001; TOPMed 0.00001.
gnomAD v4.1: 9 of 904,244 alleles (0.001%); highest among the groups gnomAD compares: Non-Finnish European, 0.0013%; no homozygotes.

Submission:

CeGaT Center for Human Genetics Tuebingen
Classification: Uncertain significance. Last evaluated: 2023-12-01. Review status: criteria provided, single submitter. Criteria: CeGaT Center For Human Genetics Tuebingen Variant Classification Criteria Version 2. Collection method: clinical testing. Allele origin: germline. Affected: yes. Observed: 1 variant allele.
Comment: LAGE3: PM2, BP4

NM_006014.5(LAGE3):c.-5C>T

Gene: LAGE3 (L antigen family member 3; minus strand). Cytogenetic location: Xq28.
Variant type: single nucleotide variant.
Coding change: c.-5C>T on transcript NM_006014.5 (MANE Select); 5 bases upstream of the start codon, C replaced by T.
Molecular consequence: 5 prime UTR variant.
Genome position (GRCh38, 1-based): chrX:154,478,920, G>A on the plus strand (C>T on the coding strand, the complement: LAGE3 is on the minus strand). VCF-style: chrX-154478920-G-A. GRCh37 (hg19) VCF-style: chrX-153707259-G-A.
Identifiers: ClinVar variation 3026944 (VCV003026944.22), dbSNP rs2069256524, ClinGen allele CA2466701472.